The following is an entry in ClinVar:

NC_000001.10:g.(?_53662616)_(53668121_?)del

Gene: CPT2 (carnitine palmitoyltransferase 2; plus strand). Cytogenetic location: 1p32.3.
Variant type: Deletion.
Identifiers: ClinVar variation 2422360 (VCV002422360.3).

ClinVar aggregate classification (germline): Pathogenic (1 of 4 stars; one submission).

Conditions:
Carnitine palmitoyltransferase II deficiency. Also called: Carnitine Palmitoyltransferase 2 Deficiency. Identifiers: Orphanet 157, MedGen C0342790, MONDO:0015515.

Submission:

Labcorp Genetics (formerly Invitae), Labcorp
Classification: Pathogenic for Carnitine palmitoyltransferase II deficiency. Last evaluated: 2022-08-25. Review status: criteria provided, single submitter. Criteria: Invitae Variant Classification Sherloc (09022015). Collection method: clinical testing. Allele origin: germline.
Comment: This variant is a gross deletion of the genomic region encompassing exon(s) 1-3 of the CPT2 gene, which includes the initiator codon. This deletion extends beyond the assayed region for this gene and therefore may encompass additional genes. It is expected to result in an absent or disrupted protein product. Loss-of-function variants in CPT2 are known to be pathogenic (PMID: 16781677, 16996287). This variant has not been reported in the literature in individuals affected with CPT2-related conditions. For these reasons, this variant has been classified as Pathogenic.

Literature cited by the submitters: PubMed 16781677; PubMed 16996287.